The following is an entry in ClinVar:

ClinVar aggregate classification (germline): Pathogenic (1 of 4 stars; one submission).

Conditions:
Hereditary cancer-predisposing syndrome. Also called: Neoplastic Syndromes, Hereditary; Tumor predisposition; Hereditary Cancer Syndrome; Hereditary neoplastic syndrome. Identifiers: Orphanet 140162, MedGen C0027672, MeSH D009386, MONDO:0015356.

Submission:

Ambry Genetics
Classification: Pathogenic for Hereditary cancer-predisposing syndrome. Last evaluated: 2025-12-02. Review status: criteria provided, single submitter. Criteria: Ambry Variant Classification Scheme 2023. Collection method: clinical testing. Allele origin: germline.
Comment: The c.9657delT pathogenic mutation, located in coding exon 26 of the BRCA2 gene, results from a deletion of one nucleotide at nucleotide position 9657, causing a translational frameshift with a predicted alternate stop codon (p.P3220Lfs*29). This alteration occurs at the 3' terminus of the gene, is not expected to trigger nonsense-mediated mRNA decay, and impacts the last 6% of the protein. However, premature stop codons are typically deleterious in nature and the impacted region is critical for protein function (Ambry internal data). This variant is considered to be rare based on population cohorts in the Genome Aggregation Database (gnomAD). Based on the supporting evidence, this variant is interpreted as a disease-causing mutation.

NM_000059.4(BRCA2):c.9657del (p.Pro3220fs)

Gene: BRCA2 (BRCA2 DNA repair associated; plus strand). Cytogenetic location: 13q13.1.
Variant type: Deletion.
Coding change: c.9657del on transcript NM_000059.4 (MANE Select); coding-DNA position 9657, one base deleted (T; older notation c.9657delT).
Protein change: p.Pro3220fs; shifts the reading frame from proline 3220.
Molecular consequence: frameshift variant. On other transcripts: non-coding transcript variant (1).
Genome position (GRCh38, 1-based): chr13:32,398,170, T deleted. VCF-style (leftmost placement, unchanged base first): chr13-32398169-CT-C. GRCh37 (hg19) VCF-style: chr13-32972306-CT-C.
Other names: c.9561del, p.Pro3188fs (NM_001406719.1); c.9606del, p.Pro3203fs (NM_001406720.1); c.4725del, p.Pro1576fs (NM_001406721.1); c.3240del, p.Pro1081fs (NM_001406722.1); c.9657del, p.Pro3220fs (NM_001432077.1); short protein forms P1576fs, P1081fs, P3203fs, P3188fs, P3220fs.
Identifiers: ClinVar variation 4629490 (VCV004629490.1).
Genomic context (GRCh38, chr13:32,398,169, plus strand): 5'-TTTTTTATGTTACTACATAATTATGATAGGCTACGTTTTCATTTTTTTATCAGATGTCTT[CT>C]CCTAATTGTGAGATATATTATCAAAGTCCTTTATCACTTTGTATGGCCAAAAGGAAGTCT-3'